The following is an entry in ClinVar:

NM_016630.7(SPG21):c.771A>C (p.Pro257=)

Gene: SPG21 (SPG21 abhydrolase domain containing, maspardin; minus strand). Cytogenetic location: 15q22.31.
Variant type: single nucleotide variant.
Coding change: c.771A>C on transcript NM_016630.7 (MANE Select); coding-DNA position 771, A replaced by C.
Protein change: p.Pro257=; no amino-acid change (proline 257 retained).
Molecular consequence: synonymous variant.
Genome position (GRCh38, 1-based): chr15:64,965,359, T>G on the plus strand (A>C on the coding strand, the complement: SPG21 is on the minus strand). VCF-style: chr15-64965359-T-G. GRCh37 (hg19) VCF-style: chr15-65257700-T-G.
Other names: c.771A>C, p.Pro257= (NM_001127889.5); c.690A>C, p.Pro230= (NM_001127890.5).
Identifiers: ClinVar variation 696703 (VCV000696703.16), dbSNP rs141785149, ClinGen allele CA7612884.

ClinVar aggregate classification (germline): Conflicting classifications of pathogenicity. Review status: criteria provided, conflicting classifications (1 of 4 stars). 3 submissions from 3 submitters: Uncertain significance (1); Likely benign (1). 1 of the submissions does not count toward it. Last evaluated 2026-01-15.

Conditions:
Mast syndrome. Also called: SPASTIC PARAPLEGIA 21, AUTOSOMAL RECESSIVE. Identifiers: Orphanet 101001, MedGen C1855346, MONDO:0009568, OMIM 248900.
Hereditary spastic paraplegia. Also called: Familial spastic paraparesis. Identifiers: Orphanet 685, MedGen C0037773, MONDO:0019064. Disease mechanism: loss of function.
SPG21-related disorder. Also called: SPG21-related condition.

Allele frequency attached by ClinVar (database versions not stated): ExAC 0.00028; gnomAD 0.00029 and 0.00031; gnomAD exomes 0.00031; TOPMed 0.00033; ESP Exome Variant Server 0.00046.
gnomAD v4.1: 653 of 1,614,060 alleles (0.04%); highest among the groups gnomAD compares: Admixed American, 0.063%; no homozygotes.

Submissions (3):

Labcorp Genetics (formerly Invitae), Labcorp
Classification: Likely benign for Mast syndrome. Last evaluated: 2026-01-15. Review status: criteria provided, single submitter. Criteria: Invitae Variant Classification Sherloc (09022015). Collection method: clinical testing. Allele origin: germline.

Genome Diagnostics Laboratory, The Hospital for Sick Children
Classification: Uncertain significance for Hereditary spastic paraplegia. Last evaluated: 2016-12-12. Review status: criteria provided, single submitter. Criteria: ACMG Guidelines, 2015. Collection method: clinical testing. Allele origin: germline. Affected: yes.

PreventionGenetics, part of Exact Sciences
Classification: Likely benign for SPG21-related condition. Last evaluated: 2019-03-14. Review status: no assertion criteria provided. Collection method: clinical testing. Allele origin: germline. Not counted in ClinVar's aggregate classification.
Comment: This variant is classified as likely benign based on ACMG/AMP sequence variant interpretation guidelines (Richards et al. 2015 PMID: 25741868, with internal and published modifications).